The following is an entry in ClinVar:

NM_000455.5(STK11):c.270C>A (p.Asn90Lys)

Gene: STK11 (serine/threonine kinase 11; plus strand). Cytogenetic location: 19p13.3.
Variant type: single nucleotide variant.
Coding change: c.270C>A on transcript NM_000455.5 (MANE Select); coding-DNA position 270, C replaced by A.
Protein change: p.Asn90Lys; replaces asparagine 90 with lysine.
Molecular consequence: missense variant. On other transcripts: non-coding transcript variant (1).
Genome position (GRCh38, 1-based): chr19:1,207,183, C>A. VCF-style: chr19-1207183-C-A. GRCh37 (hg19) VCF-style: chr19-1207182-C-A.
Other names: c.270C>A, p.Asn90Lys (NM_001407255.1); short protein forms N90K.
Identifiers: ClinVar variation 4772430 (VCV004772430.1).
Genomic context (GRCh38, chr19:1,207,183, plus strand): 5'-GACGCTGTGCAGGAGGGCCGTCAAGATCCTCAAGAAGAAGAAGTTGCGAAGGATCCCCAA[C>A]GGGGAGGCCAACGTGAAGAAGTAAGTATGGCTTGCTGGGGTCGGGGCCGGGCCGGGCCAG-3'
Protein context (NP_000446.1, residues 80-100): LKKKKLRRIP[Asn90Lys]GEANVKKEIQ

ClinVar aggregate classification (germline): Uncertain significance (1 of 4 stars; one submission).

Conditions:
Peutz-Jeghers syndrome (PJS). Also called: POLYPOSIS, HAMARTOMATOUS INTESTINAL; POLYPS-AND-SPOTS SYNDROME; Peutz-Jeghers polyposis; Periorificial lentiginosis syndrome. Identifiers: Orphanet 2869, MedGen C0031269, MeSH D010580, MONDO:0008280, OMIM 175200.

Submission:

Labcorp Genetics (formerly Invitae), Labcorp
Classification: Uncertain significance for Peutz-Jeghers syndrome. Last evaluated: 2025-04-17. Review status: criteria provided, single submitter. Criteria: Invitae Variant Classification Sherloc (09022015). Collection method: clinical testing. Allele origin: germline.
Comment: This sequence change replaces asparagine, which is neutral and polar, with lysine, which is basic and polar, at codon 90 of the STK11 protein (p.Asn90Lys). This variant is not present in population databases (gnomAD no frequency). This variant has not been reported in the literature in individuals affected with STK11-related conditions. Invitae Evidence Modeling of protein sequence and biophysical properties (such as structural, functional, and spatial information, amino acid conservation, physicochemical variation, residue mobility, and thermodynamic stability) has been performed for this missense variant. However, the output from this modeling did not meet the statistical confidence thresholds required to predict the impact of this variant on STK11 protein function. In summary, the available evidence is currently insufficient to determine the role of this variant in disease. Therefore, it has been classified as a Variant of Uncertain Significance.